The following is an entry in ClinVar:

NM_006258.4(PRKG1):c.304A>G (p.Ser102Gly)

Gene: PRKG1 (protein kinase cGMP-dependent 1; plus strand). Cytogenetic location: 10q11.23.
Variant type: single nucleotide variant.
Coding change: c.304A>G on transcript NM_006258.4 (MANE Select); coding-DNA position 304, A replaced by G.
Protein change: p.Ser102Gly; replaces serine 102 with glycine.
Molecular consequence: missense variant. On other transcripts: intron variant (1).
Genome position (GRCh38, 1-based): chr10:51,074,894, A>G. VCF-style: chr10-51074894-A-G. GRCh37 (hg19) VCF-style: chr10-52834654-A-G.
Other names: c.304A>G, p.Ser102Gly (NM_001374782.1); c.267-78270A>G (NM_001098512.3); c.304A>G (NM_006258.3); short protein forms S102G.
Identifiers: ClinVar variation 2194485 (VCV002194485.3), dbSNP rs1219354819, ClinGen allele CA376827304.
Genomic context (GRCh38, chr10:51,074,894, plus strand): 5'-GAGCCCACCGCCTTCGACATCCAGGATCTCAGCCATGTGACCCTGCCCTTCTACCCCAAG[A>G]GCCCACAGTAAGCAGGGGTGACGCGCCGGGTCCATGTGGCGCCCTGGCGATGGGGAGCTG-3'
Protein context (NP_006249.1, residues 92-112): SHVTLPFYPK[Ser102Gly]PQSKDLIKEA

ClinVar aggregate classification (germline): Uncertain significance. Review status: criteria provided, multiple submitters, no conflicts (2 of 4 stars). 2 submissions from 2 submitters: Uncertain significance (2). Last evaluated 2024-03-05.

Conditions:
Aortic aneurysm, familial thoracic 8 (AAT8). Identifiers: MedGen C3809513, MONDO:0014187, OMIM 615436.

Allele frequency attached by ClinVar (database versions not stated): gnomAD exomes below 0.00001; TOPMed 0.00001.
gnomAD v4.1: 4 of 1,605,648 alleles (0.00025%); highest among the groups gnomAD compares: Non-Finnish European, 0.00034%; no homozygotes.

Submissions (2):

GeneDx
Classification: Uncertain significance. Last evaluated: 2024-03-05. Review status: criteria provided, single submitter. Criteria: GeneDx Variant Classification Process June 2021. Collection method: clinical testing. Allele origin: germline. Affected: yes.
Comment: Not observed at significant frequency in large population cohorts (gnomAD); In silico analysis supports that this missense variant does not alter protein structure/function; Has not been previously published as pathogenic or benign to our knowledge

Labcorp Genetics (formerly Invitae), Labcorp
Classification: Uncertain significance for Aortic aneurysm, familial thoracic 8. Last evaluated: 2022-05-22. Review status: criteria provided, single submitter. Criteria: Invitae Variant Classification Sherloc (09022015). Collection method: clinical testing. Allele origin: germline.
Comment: This sequence change replaces serine, which is neutral and polar, with glycine, which is neutral and non-polar, at codon 102 of the PRKG1 protein (p.Ser102Gly). This variant is present in population databases (no rsID available, gnomAD 0.0009%). This variant has not been reported in the literature in individuals affected with PRKG1-related conditions. Algorithms developed to predict the effect of missense changes on protein structure and function (SIFT, PolyPhen-2, Align-GVGD) all suggest that this variant is likely to be tolerated. In summary, the available evidence is currently insufficient to determine the role of this variant in disease. Therefore, it has been classified as a Variant of Uncertain Significance.